The following is an entry in ClinVar:

ClinVar aggregate classification (germline): Likely pathogenic (1 of 4 stars; one submission).

Conditions:
Congenital hyperammonemia, type I. Also called: Carbamoyl phosphate synthetase I deficiency disease; CPS I DEFICIENCY; Carbamoyl phosphate synthetase 1 deficiency; Hyperammonemia due to carbamoyl phosphate synthetase 1 deficiency; CPS 1 deficiency; Carbamyl phosphate synthetase (CPS) deficiency. Identifiers: Orphanet 147, MedGen C4082171, MONDO:0009376, OMIM 237300.

Submission:

Natera, Inc.
Classification: Likely pathogenic for Carbamoyl-phosphate synthase I deficiency. Last evaluated: 2024-03-14. Review status: criteria provided, single submitter. Criteria: Natera Variant Classification Schema (03/2026). Collection method: clinical testing. Allele origin: germline.
Comment: The c.2959+2T>C variant in CPS1 is a canonical splice donor site variant predicted to affect pre-mRNA splicing, which may result in an abnormal transcript and altered protein product. This variant is expected to result in nonsense mediated decay, truncation, or a dysfunctional protein product. This variant is rare in the general population with a frequency below the threshold expected for the associated phenotype(s). Given the available evidence, this variant is classified as Likely Pathogenic.

NM_001875.5(CPS1):c.2959+2T>C

Gene: CPS1 (carbamoyl-phosphate synthase 1; plus strand). Cytogenetic location: 2q34.
Variant type: single nucleotide variant.
Coding change: c.2959+2T>C on transcript NM_001875.5 (MANE Select); the canonical splice donor site of the intron after coding-DNA position 2959, T replaced by C.
Molecular consequence: splice donor variant.
Genome position (GRCh38, 1-based): chr2:210,640,061, T>C. VCF-style: chr2-210640061-T-C. GRCh37 (hg19) VCF-style: chr2-211504785-T-C.
Other names: c.2959+2T>C (NM_001369257.1, NM_001122633.3); c.2992+2T>C (NM_001369256.1).
Identifiers: ClinVar variation 4814961 (VCV004814961.1).